The following is an entry in ClinVar:

NM_144499.3(GNAT1):c.142C>G (p.Gln48Glu)

Gene: GNAT1 (G protein subunit alpha transducin 1; plus strand). Cytogenetic location: 3p21.31.
Variant type: single nucleotide variant.
Coding change: c.142C>G on transcript NM_144499.3 (MANE Select); coding-DNA position 142, C replaced by G.
Protein change: p.Gln48Glu; replaces glutamine 48 with glutamic acid.
Molecular consequence: missense variant.
Genome position (GRCh38, 1-based): chr3:50,193,168, C>G. VCF-style: chr3-50193168-C-G. GRCh37 (hg19) VCF-style: chr3-50230601-C-G.
Other names: c.142C>G, p.Gln48Glu (NM_000172.4); c.142C>G (NM_144499.2); short protein forms Q48E.
Identifiers: ClinVar variation 1390868 (VCV001390868.7), dbSNP rs749921670, ClinGen allele CA2412458.
Genomic context (GRCh38, chr3:50,193,168, plus strand): 5'-CTCTGAGGCGCCGCGTCTCTTTCAGGTGCCGGTGAGTCCGGGAAGAGCACCATCGTCAAG[C>G]AGATGAAGTGAGTGCCCCTGCCTGTCCCGAGGCCCCTGGGTCTGGGTCCTTCCCCACTTC-3'
Protein context (NP_653082.1, residues 38-58): GESGKSTIVK[Gln48Glu]MKIIHQDGYS

ClinVar aggregate classification (germline): Uncertain significance. Review status: criteria provided, multiple submitters, no conflicts (2 of 4 stars). 2 submissions from 2 submitters: Uncertain significance (2). Last evaluated 2025-01-25.

Conditions:
Inborn genetic diseases. Identifiers: MedGen C0950123, MeSH D030342.

Allele frequency attached by ClinVar (database versions not stated): gnomAD 0.00001; ExAC 0.00002; gnomAD exomes 0.00003.

Submissions (2):

Labcorp Genetics (formerly Invitae), Labcorp
Classification: Uncertain significance. Last evaluated: 2025-01-25. Review status: criteria provided, single submitter. Criteria: Invitae Variant Classification Sherloc (09022015). Collection method: clinical testing. Allele origin: germline.
Comment: This sequence change replaces glutamine, which is neutral and polar, with glutamic acid, which is acidic and polar, at codon 48 of the GNAT1 protein (p.Gln48Glu). This variant is present in population databases (rs749921670, gnomAD 0.004%). This variant has not been reported in the literature in individuals affected with GNAT1-related conditions. ClinVar contains an entry for this variant (Variation ID: 1390868). Invitae Evidence Modeling of protein sequence and biophysical properties (such as structural, functional, and spatial information, amino acid conservation, physicochemical variation, residue mobility, and thermodynamic stability) indicates that this missense variant is expected to disrupt GNAT1 protein function with a positive predictive value of 80%. In summary, the available evidence is currently insufficient to determine the role of this variant in disease. Therefore, it has been classified as a Variant of Uncertain Significance.

Ambry Genetics
Classification: Uncertain significance for Inborn genetic diseases. Last evaluated: 2024-07-06. Review status: criteria provided, single submitter. Criteria: Ambry Variant Classification Scheme 2023. Collection method: clinical testing. Allele origin: germline.